The following is an entry in ClinVar:

NM_000093.5(COL5A1):c.5485T>G (p.Phe1829Val)

Genes: COL5A1 (collagen type V alpha 1 chain; plus strand), LOC101448202 (uncharacterized LOC101448202; minus strand). Cytogenetic location: 9q34.3.
Variant type: single nucleotide variant.
Coding change: c.5485T>G on transcript NM_000093.5 (MANE Select); coding-DNA position 5485, T replaced by G.
Protein change: p.Phe1829Val; replaces phenylalanine 1829 with valine.
Molecular consequence: missense variant.
Genome position (GRCh38, 1-based): chr9:134,842,271, T>G. VCF-style: chr9-134842271-T-G. GRCh37 (hg19) VCF-style: chr9-137734117-T-G.
Other names: c.5485T>G, p.Phe1829Val (NM_001278074.1); short protein forms F1829V.
Identifiers: ClinVar variation 3639006 (VCV003639006.2).

ClinVar aggregate classification (germline): Uncertain significance (1 of 4 stars; one submission).

Conditions:
Ehlers-Danlos syndrome, classic type, 1 (EDSCL1). Also called: EHLERS-DANLOS SYNDROME, GRAVIS TYPE; EHLERS-DANLOS SYNDROME, SEVERE CLASSIC TYPE; Ehlers-Danlos syndrome, type 1; Ehlers-Danlos Syndrome, Classic Type, COL5A1-Related; EDS I. Identifiers: MedGen C0268335, MONDO:0019567, OMIM 130000.

Submission:

Labcorp Genetics (formerly Invitae), Labcorp
Classification: Uncertain significance for Ehlers-Danlos syndrome, classic type, 1. Last evaluated: 2024-02-05. Review status: criteria provided, single submitter. Criteria: Invitae Variant Classification Sherloc (09022015). Collection method: clinical testing. Allele origin: germline.
Comment: This sequence change replaces phenylalanine, which is neutral and non-polar, with valine, which is neutral and non-polar, at codon 1829 of the COL5A1 protein (p.Phe1829Val). This variant is not present in population databases (gnomAD no frequency). This variant has not been reported in the literature in individuals affected with COL5A1-related conditions. Advanced modeling of protein sequence and biophysical properties (such as structural, functional, and spatial information, amino acid conservation, physicochemical variation, residue mobility, and thermodynamic stability) performed at Invitae indicates that this missense variant is not expected to disrupt COL5A1 protein function with a negative predictive value of 80%. In summary, the available evidence is currently insufficient to determine the role of this variant in disease. Therefore, it has been classified as a Variant of Uncertain Significance.